The following is an entry in ClinVar:

NM_000026.4(ADSL):c.403-1G>C

Gene: ADSL (adenylosuccinate lyase; plus strand). Cytogenetic location: 22q13.1.
Variant type: single nucleotide variant.
Coding change: c.403-1G>C on transcript NM_000026.4 (MANE Select); the canonical splice acceptor site of the intron before coding-DNA position 403, G replaced by C.
Molecular consequence: splice acceptor variant.
Genome position (GRCh38, 1-based): chr22:40,354,247, G>C. VCF-style: chr22-40354247-G-C. GRCh37 (hg19) VCF-style: chr22-40750251-G-C.
Other names: c.403-1G>C (NM_001363840.3, NM_001410812.1, NM_001123378.3 and 1 more transcripts); c.358-1G>C (NM_001410814.1); c.211-1G>C (NM_001317923.2).
Identifiers: ClinVar variation 2019442 (VCV002019442.4), dbSNP rs2518100114, ClinGen allele CA411638779.

ClinVar aggregate classification (germline): Likely pathogenic (1 of 4 stars; one submission).

Conditions:
Adenylosuccinate lyase deficiency (ADSLD). Also called: ADSL DEFICIENCY. Identifiers: Orphanet 46, MedGen C0268126, MONDO:0007068, OMIM 103050.

Submission:

Labcorp Genetics (formerly Invitae), Labcorp
Classification: Likely pathogenic for Adenylosuccinate lyase deficiency. Last evaluated: 2022-07-24. Review status: criteria provided, single submitter. Criteria: Invitae Variant Classification Sherloc (09022015). Collection method: clinical testing. Allele origin: germline.
Comment: This sequence change affects an acceptor splice site in intron 3 of the ADSL gene. It is expected to disrupt RNA splicing. Variants that disrupt the donor or acceptor splice site typically lead to a loss of protein function (PMID: 16199547), and loss-of-function variants in ADSL are known to be pathogenic (PMID: 10888601, 20177786). This variant is not present in population databases (gnomAD no frequency). This variant has not been reported in the literature in individuals affected with ADSL-related conditions. Algorithms developed to predict the effect of sequence changes on RNA splicing suggest that this variant may disrupt the consensus splice site. In summary, the currently available evidence indicates that the variant is pathogenic, but additional data are needed to prove that conclusively. Therefore, this variant has been classified as Likely Pathogenic.

Literature cited by the submitters: PubMed 16199547; PubMed 10888601; PubMed 20177786.